The following is an entry in ClinVar:

ClinVar aggregate classification (germline): Uncertain significance (1 of 4 stars; one submission).

Allele frequency attached by ClinVar (database versions not stated): TOPMed below 0.00001.

Submission:

Labcorp Genetics (formerly Invitae), Labcorp
Classification: Uncertain significance. Last evaluated: 2021-10-29. Review status: criteria provided, single submitter. Criteria: Invitae Variant Classification Sherloc (09022015). Collection method: clinical testing. Allele origin: germline.
Comment: In summary, the available evidence is currently insufficient to determine the role of this variant in disease. Therefore, it has been classified as a Variant of Uncertain Significance. Algorithms developed to predict the effect of missense changes on protein structure and function output the following: SIFT: "Tolerated"; PolyPhen-2: "Benign"; Align-GVGD: "Class C0". The asparagine amino acid residue is found in multiple mammalian species, which suggests that this missense change does not adversely affect protein function. This variant has not been reported in the literature in individuals affected with C2CD3-related conditions. This variant is not present in population databases (gnomAD no frequency). This sequence change replaces aspartic acid, which is acidic and polar, with asparagine, which is neutral and polar, at codon 1869 of the C2CD3 protein (p.Asp1869Asn).

NM_001286577.2(C2CD3):c.5605G>A (p.Asp1869Asn)

Gene: C2CD3 (C2 domain containing 3 centriole elongation regulator; minus strand). Cytogenetic location: 11q13.4.
Variant type: single nucleotide variant.
Coding change: c.5605G>A on transcript NM_001286577.2 (MANE Select); coding-DNA position 5605, G replaced by A.
Protein change: p.Asp1869Asn; replaces aspartic acid 1869 with asparagine.
Molecular consequence: missense variant.
Genome position (GRCh38, 1-based): chr11:74,042,109, C>T on the plus strand (G>A on the coding strand, the complement: C2CD3 is on the minus strand). VCF-style: chr11-74042109-C-T. GRCh37 (hg19) VCF-style: chr11-73753154-C-T.
Other names: c.5605G>A, p.Asp1869Asn (NM_015531.6); short protein forms D1869N.
Identifiers: ClinVar variation 1390089 (VCV001390089.6), dbSNP rs1953090734, ClinGen allele CA381824748.